The following is an entry in ClinVar:

ClinVar aggregate classification (germline): Uncertain significance. Review status: criteria provided, multiple submitters, no conflicts (2 of 4 stars). 2 submissions from 2 submitters: Uncertain significance (2). Last evaluated 2025-03-20.

Conditions:
Frasier syndrome. Identifiers: Orphanet 347, MedGen C0950122, MeSH D052159, MONDO:0007635, OMIM 136680.
Wilms tumor 1 (WT1). Also called: Wilms tumor, somatic. Identifiers: Orphanet 654, MedGen CN033288, MONDO:0008679, OMIM 194070.
11p partial monosomy syndrome (WAGR). Also called: CHROMOSOME 11p13 DELETION SYNDROME; WAGR syndrome; WAGR Spectrum Disorder; WAGR Complex. Identifiers: Orphanet 893, MedGen C0206115, MONDO:0008681, OMIM 194072.
Drash syndrome (DDS). Also called: WILMS TUMOR AND PSEUDO- OR TRUE HERMAPHRODITISM; NEPHROPATHY, WILMS TUMOR, AND GENITAL ANOMALIES. Identifiers: Orphanet 220, MedGen C0950121, MONDO:0008682, OMIM 194080.
Inborn genetic diseases. Identifiers: MedGen C0950123, MeSH D030342.

Allele frequency attached by ClinVar (database versions not stated): gnomAD exomes below 0.00001.
gnomAD v4.1: 1 of 1,612,520 alleles (0.000062%); highest among the groups gnomAD compares: Admixed American, 0.0017%; no homozygotes.

Submissions (2):

Ambry Genetics
Classification: Uncertain significance for Inborn genetic diseases. Last evaluated: 2025-03-20. Review status: criteria provided, single submitter. Criteria: Ambry Variant Classification Scheme 2023. Collection method: clinical testing. Allele origin: germline.
Comment: The p.F180L variant (also known as c.540C>G), located in coding exon 1 of the WT1 gene, results from a C to G substitution at nucleotide position 540. The phenylalanine at codon 180 is replaced by leucine, an amino acid with highly similar properties. This amino acid position is conserved. In addition, the in silico prediction for this alteration is inconclusive. Based on the available evidence, the clinical significance of this variant remains unclear.

Labcorp Genetics (formerly Invitae), Labcorp
Classification: Uncertain significance for Wilms tumor 1; Drash syndrome; 11p partial monosomy syndrome; Frasier syndrome. Last evaluated: 2024-04-10. Review status: criteria provided, single submitter. Criteria: Invitae Variant Classification Sherloc (09022015). Collection method: clinical testing. Allele origin: germline.
Comment: This sequence change replaces phenylalanine, which is neutral and non-polar, with leucine, which is neutral and non-polar, at codon 180 of the WT1 protein (p.Phe180Leu). This variant is not present in population databases (gnomAD no frequency). This variant has not been reported in the literature in individuals affected with WT1-related conditions. ClinVar contains an entry for this variant (Variation ID: 1917838). An algorithm developed to predict the effect of missense changes on protein structure and function (PolyPhen-2) suggests that this variant is likely to be disruptive. In summary, the available evidence is currently insufficient to determine the role of this variant in disease. Therefore, it has been classified as a Variant of Uncertain Significance.

NM_024426.6(WT1):c.555C>G (p.Phe185Leu)

Genes: WT1 (WT1 transcription factor; minus strand), LOC107982234 (WT1/WT1-AS bi-directional promoter region; plus strand). Cytogenetic location: 11p13.
Variant type: single nucleotide variant.
Coding change: c.555C>G on transcript NM_024426.6 (MANE Select); coding-DNA position 555, C replaced by G.
Protein change: p.Phe185Leu; replaces phenylalanine 185 with leucine.
Molecular consequence: missense variant. On other transcripts: non-coding transcript variant (1).
Genome position (GRCh38, 1-based): chr11:32,434,806, G>C on the plus strand (C>G on the coding strand, the complement: WT1 is on the minus strand). VCF-style: chr11-32434806-G-C. GRCh37 (hg19) VCF-style: chr11-32456352-G-C.
Other names: c.555C>G, p.Phe185Leu (NM_000378.6, NM_001407044.1, NM_001407045.1 and 6 more transcripts); c.540C>G, p.Phe180Leu (NM_024425.2); c.540C>G (NM_024426.4); short protein forms F185L, F180L.
Identifiers: ClinVar variation 1917838 (VCV001917838.6), dbSNP rs1554946465, ClinGen allele CA379964678.